The following is an entry in ClinVar:

NM_030943.4(AMN):c.712G>A (p.Ala238Thr)

Gene: AMN (amnion associated transmembrane protein; plus strand). Cytogenetic location: 14q32.32.
Variant type: single nucleotide variant.
Coding change: c.712G>A on transcript NM_030943.4 (MANE Select); coding-DNA position 712, G replaced by A.
Protein change: p.Ala238Thr; replaces alanine 238 with threonine.
Molecular consequence: missense variant.
Genome position (GRCh38, 1-based): chr14:102,929,488, G>A. VCF-style: chr14-102929488-G-A. GRCh37 (hg19) VCF-style: chr14-103395825-G-A.
Other names: short protein forms A238T.
Identifiers: ClinVar variation 2060674 (VCV002060674.3), dbSNP rs756662668, ClinGen allele CA7359988.
Genomic context (GRCh38, chr14:102,929,488, plus strand): 5'-GCGCAGCCGTGGATCTGCGCGGCCCTGCTCCAGCCCCTGGGCGGCCGCTGCCCCCAGGCC[G>A]CCTGCCACAGCGCCCTCCGGCCCCAGGGGCAGTGCTGTGACCTCTGTGGTAAGCGCCCCC-3'
Protein context (NP_112205.2, residues 228-248): QPLGGRCPQA[Ala238Thr]CHSALRPQGQ

ClinVar aggregate classification (germline): Uncertain significance. Review status: criteria provided, multiple submitters, no conflicts (2 of 4 stars). 3 submissions from 3 submitters: Uncertain significance (3). Last evaluated 2025-04-07.

Conditions:
Inborn genetic diseases. Identifiers: MedGen C0950123, MeSH D030342.
Imerslund-Grasbeck syndrome type 2. Also called: Megaloblastic anemia 1, Norwegian type; MEGALOBLASTIC ANEMIA, NORWEGIAN TYPE; Imerslund-Gräsbeck syndrome 2. Identifiers: MedGen C4016948, MONDO:0100157, OMIM 618882.
Imerslund-Grasbeck syndrome. Also called: ENTEROCYTE COBALAMIN MALABSORPTION; ENTEROCYTE INTRINSIC FACTOR RECEPTOR, DEFECT OF; PERNICIOUS ANEMIA, JUVENILE, DUE TO SELECTIVE INTESTINAL MALABSORPTION OF VITAMIN B12, WITH PROTEINURIA; Megaloblastic anemia due to inborn errors of metabolism; Imerslund-Gräsbeck syndrome. Identifiers: Orphanet 35858, MedGen C4551825, MONDO:0009853.

gnomAD v4.1: 33 of 1,532,272 alleles (0.0022%); highest among the groups gnomAD compares: African/African-American, 0.037%; no homozygotes.

Submissions (3):

Ambry Genetics
Classification: Uncertain significance for Inborn genetic diseases. Last evaluated: 2025-04-07. Review status: criteria provided, single submitter. Criteria: Ambry Variant Classification Scheme 2023. Collection method: clinical testing. Allele origin: germline.

Fulgent Genetics
Classification: Uncertain significance for Imerslund-Grasbeck syndrome type 2. Last evaluated: 2024-04-19. Review status: criteria provided, single submitter. Criteria: ACMG Guidelines, 2015. Collection method: clinical testing. Allele origin: germline.

Labcorp Genetics (formerly Invitae), Labcorp
Classification: Uncertain significance for Imerslund-Grasbeck syndrome. Last evaluated: 2022-05-06. Review status: criteria provided, single submitter. Criteria: Invitae Variant Classification Sherloc (09022015). Collection method: clinical testing. Allele origin: germline.
Comment: This sequence change replaces alanine, which is neutral and non-polar, with threonine, which is neutral and polar, at codon 238 of the AMN protein (p.Ala238Thr). This variant is present in population databases (rs756662668, gnomAD 0.06%). This variant has not been reported in the literature in individuals affected with AMN-related conditions. Algorithms developed to predict the effect of missense changes on protein structure and function output the following: SIFT: "Tolerated"; PolyPhen-2: "Benign"; Align-GVGD: "Class C0". The threonine amino acid residue is found in multiple mammalian species, which suggests that this missense change does not adversely affect protein function. In summary, the available evidence is currently insufficient to determine the role of this variant in disease. Therefore, it has been classified as a Variant of Uncertain Significance.